The following is an entry in ClinVar:

NM_007175.8(ERLIN2):c.406G>C (p.Val136Leu)

Gene: ERLIN2 (ER lipid raft associated 2; plus strand). Cytogenetic location: 8p11.23.
Variant type: single nucleotide variant.
Coding change: c.406G>C on transcript NM_007175.8 (MANE Select); coding-DNA position 406, G replaced by C.
Protein change: p.Val136Leu; replaces valine 136 with leucine.
Molecular consequence: missense variant.
Genome position (GRCh38, 1-based): chr8:37,744,678, G>C. VCF-style: chr8-37744678-G-C. GRCh37 (hg19) VCF-style: chr8-37602196-G-C.
Other names: c.406G>C (NM_007175.6); c.406G>C, p.Val136Leu (NM_001003790.4, NM_001003791.3, NM_001362878.2 and 1 more transcripts); short protein forms V136L.
Identifiers: ClinVar variation 1721702 (VCV001721702.6), dbSNP rs1338086200, ClinGen allele CA370652963.

ClinVar aggregate classification (germline): Uncertain significance. Review status: criteria provided, single submitter (1 of 4 stars). 2 submissions from 2 submitters: Uncertain significance (1). 1 of the submissions does not count toward it. Last evaluated 2022-10-17.

Conditions:
ERLIN2-related disorder. Also called: ERLIN2-related condition.
Spastic paraplegia. Identifiers: MedGen C0037772, HP:0001258.

Submissions (2):

Labcorp Genetics (formerly Invitae), Labcorp
Classification: Uncertain significance for Spastic paraplegia. Last evaluated: 2022-10-17. Review status: criteria provided, single submitter. Criteria: Invitae Variant Classification Sherloc (09022015). Collection method: clinical testing. Allele origin: germline.
Comment: This sequence change replaces valine, which is neutral and non-polar, with leucine, which is neutral and non-polar, at codon 136 of the ERLIN2 protein (p.Val136Leu). This variant is not present in population databases (gnomAD no frequency). This variant has not been reported in the literature in individuals affected with ERLIN2-related conditions. Advanced modeling of protein sequence and biophysical properties (such as structural, functional, and spatial information, amino acid conservation, physicochemical variation, residue mobility, and thermodynamic stability) performed at Invitae indicates that this missense variant is expected to disrupt ERLIN2 protein function. In summary, the available evidence is currently insufficient to determine the role of this variant in disease. Therefore, it has been classified as a Variant of Uncertain Significance.

PreventionGenetics, part of Exact Sciences
Classification: Uncertain significance for ERLIN2-related condition. Last evaluated: 2024-07-03. Review status: no assertion criteria provided. Collection method: clinical testing. Allele origin: germline. Not counted in ClinVar's aggregate classification.
Comment: The ERLIN2 c.406G>C variant is predicted to result in the amino acid substitution p.Val136Leu. To our knowledge, this variant has not been reported in the literature or in a large population database, indicating this variant is rare. A different missense at this position (p.Val136Gly) was reported in the homozygous state (due to UPD) in a patient with spastic paraplegia (Srivastava et al 2014. PubMed ID: 25131622). At this time, the clinical significance of this variant is uncertain due to the absence of conclusive functional and genetic evidence.